The following is an entry in ClinVar:

ClinVar aggregate classification (germline): Uncertain significance (1 of 4 stars; one submission).

Submission:

Athena Diagnostics
Classification: Uncertain significance. Last evaluated: 2024-04-10. Review status: criteria provided, single submitter. Criteria: Athena Diagnostics Criteria. Collection method: clinical testing. Allele origin: unknown.
Comment: Available data are insufficient to determine the clinical significance of the variant at this time. This variant has been identified in at least one individual tested at Athena Diagnostics with clinical features associated with this gene. This variant has not been reported in large, multi-ethnic general populations. At least one other missense variant at this codon is considered to be pathogenic or likely pathogenic, suggesting this variant may also cause disease. Computational tools disagree on the variant's effect on normal protein function.

NM_000388.4(CASR):c.433A>C (p.Thr145Pro)

Gene: CASR (calcium sensing receptor; plus strand). Cytogenetic location: 3q21.1.
Variant type: single nucleotide variant.
Coding change: c.433A>C on transcript NM_000388.4 (MANE Select); coding-DNA position 433, A replaced by C.
Protein change: p.Thr145Pro; replaces threonine 145 with proline.
Molecular consequence: missense variant.
Genome position (GRCh38, 1-based): chr3:122,257,328, A>C. VCF-style: chr3-122257328-A-C. GRCh37 (hg19) VCF-style: chr3-121976175-A-C.
Other names: c.433A>C, p.Thr145Pro (NM_001178065.2); short protein forms T145P.
Identifiers: ClinVar variation 3571801 (VCV003571801.1).